The following is an entry in ClinVar:

ClinVar aggregate classification (germline): Benign/Likely benign. Review status: criteria provided, multiple submitters, no conflicts (2 of 4 stars). 14 submissions from 14 submitters: Benign (5); Likely benign (8). 1 of the submissions does not count toward it. Last evaluated 2026-05-28.

Conditions:
Hereditary cancer-predisposing syndrome. Also called: Tumor predisposition; Hereditary neoplastic syndrome; Neoplastic Syndromes, Hereditary; Hereditary Cancer Syndrome. Identifiers: Orphanet 140162, MedGen C0027672, MeSH D009386, MONDO:0015356.
Bloom syndrome (BLM). Also called: Bloom-Torre-Machacek syndrome. Identifiers: Orphanet 125, MedGen C0005859, MONDO:0008876, OMIM 210900.

Allele frequency attached by ClinVar (database versions not stated): gnomAD exomes 0.00057; ExAC 0.00066; 1000 Genomes Project 30x 0.00094; 1000 Genomes Project 0.00120; gnomAD 0.00209 and 0.00233; TOPMed 0.00266; ESP Exome Variant Server 0.00331.
gnomAD v4.1: 678 of 1,613,468 alleles (0.042%); highest among the groups gnomAD compares: African/African-American, 0.8%; 4 homozygotes.

Submissions (14):

Myriad Genetics, Inc.
Classification: Benign for Bloom syndrome. Last evaluated: 2026-05-28. Review status: criteria provided, single submitter. Criteria: Myriad Autosomal Dominant, Autosomal Recessive and X-Linked Classification Criteria (2023). Collection method: clinical testing. Allele origin: unknown.
Comment: This variant is considered benign. This variant is intronic and is not expected to impact mRNA splicing. Homozygosity for this variant has been confirmed in one or more individuals lacking clinical features consistent with gene-specific recessive disease, indicating that this variant is unlikely to be pathogenic.

Dasa
Classification: Likely benign. Last evaluated: 2026-04-05. Review status: criteria provided, single submitter. Criteria: DASA Assertion Criteria. Collection method: clinical testing. Allele origin: germline.
Comment: NM_000057.4(BLM):c.4077-10C>T is a splice-region variant. Population frequency is inconsistent with a disease-causing role for this variant, and observations in unaffected individuals support a benign interpretation. Computational prediction algorithms are consistent with a benign effect. Therefore, based on the currently available evidence, this variant is classified as likely benign.

Labcorp Genetics (formerly Invitae), Labcorp
Classification: Benign for Bloom syndrome. Last evaluated: 2026-02-04. Review status: criteria provided, single submitter. Criteria: Invitae Variant Classification Sherloc (09022015). Collection method: clinical testing. Allele origin: germline.

Quest Diagnostics Nichols Institute San Juan Capistrano
Classification: Benign. Last evaluated: 2025-08-13. Review status: criteria provided, single submitter. Criteria: Quest Diagnostics criteria. Collection method: clinical testing. Allele origin: unknown.

Blueprint Genetics
Classification: Likely benign. Last evaluated: 2024-10-14. Review status: criteria provided, single submitter. Criteria: ACMG Guidelines, 2015. Collection method: clinical testing. Allele origin: germline.

ARUP Laboratories, Molecular Genetics and Genomics, ARUP Laboratories
Classification: Likely benign for Bloom syndrome. Last evaluated: 2024-05-07. Review status: criteria provided, single submitter. Criteria: ARUP Molecular Germline Variant Investigation Process 2024. Collection method: clinical testing. Allele origin: germline.

Sema4
Classification: Likely benign for Hereditary cancer-predisposing syndrome. Last evaluated: 2021-03-14. Review status: criteria provided, single submitter. Criteria: Sema4 Curation Guidelines. Collection method: curation. Allele origin: germline.

Genetic Services Laboratory, University of Chicago
Classification: Likely benign. Last evaluated: 2020-10-16. Review status: criteria provided, single submitter. Criteria: ACMG Guidelines, 2015. Collection method: clinical testing. Allele origin: germline. Affected: no.

Women's Health and Genetics/Laboratory Corporation of America, LabCorp
Classification: Benign. Last evaluated: 2019-12-23. Review status: criteria provided, single submitter. Criteria: LabCorp Variant Classification Summary - May 2015. Collection method: clinical testing. Allele origin: germline.
Comment: Variant summary: BLM c.4077-10C>T alters a non-conserved nucleotide located close to a canonical splice site and therefore could affect mRNA splicing, leading to a significantly altered protein sequence. 4/4 computational tools predict no significant impact on normal splicing. However, these predictions have yet to be confirmed by functional studies. The variant allele was found at a frequency of 0.00057 in 250972 control chromosomes, predominantly at a frequency of 0.0079 within the African or African-American subpopulation in the gnomAD database, including 1 homozygote. The observed variant frequency within African or African-American control individuals in the gnomAD database is approximately 2.2 fold of the estimated maximal expected allele frequency for a pathogenic variant in BLM causing Bloom Syndrome phenotype (0.0035), strongly suggesting that the variant is a benign polymorphism found primarily in populations of African or African-American origin. To our knowledge, no occurrence of c.4077-10C>T in individuals affected with Bloom Syndrome and no experimental evidence demonstrating its impact on protein function have been reported. Three clinical diagnostic laboratories have submitted clinical-significance assessments for this variant to ClinVar after 2014 without evidence for independent evaluation (benign, n=1; likely benign, n=1, VUS, n=1). Based on the evidence outlined above, the variant was classified as benign.

Mendelics
Classification: Likely benign for Bloom syndrome. Last evaluated: 2019-05-28. Review status: criteria provided, single submitter. Criteria: Mendelics Assertion Criteria 2017. Collection method: clinical testing. Allele origin: unknown.

Illumina Laboratory Services, Illumina
Classification: Likely benign for Bloom syndrome. Last evaluated: 2018-01-12. Review status: criteria provided, single submitter. Criteria: ICSL Variant Classification Criteria 13 December 2019. Collection method: clinical testing. Allele origin: germline.
Comment: This variant was observed in the ICSL laboratory as part of a predisposition screen in an ostensibly healthy population. It had not been previously curated by ICSL or reported in the Human Gene Mutation Database (HGMD: prior to June 1st, 2018), and was therefore a candidate for classification through an automated scoring system. Utilizing variant allele frequency, disease prevalence and penetrance estimates, and inheritance mode, an automated score was calculated to assess if this variant is too frequent to cause the disease. Based on the score and internal cut-off values, a variant classified as likely benign is not then subjected to further curation. The score for this variant resulted in a classification of likely benign for this disease.

Eurofins Ntd Llc (ga)
Classification: Likely benign. Last evaluated: 2017-08-08. Review status: criteria provided, single submitter. Criteria: EGL Classification Definitions 2015. Collection method: clinical testing. Allele origin: germline. Observed: 1 variant allele, 1 heterozygote.

GeneDx
Classification: Benign. Last evaluated: 2014-02-26. Review status: criteria provided, single submitter. Criteria: GeneDx Variant Classification (06012015). Collection method: clinical testing. Allele origin: germline. Affected: yes.
Comment: This variant is considered likely benign or benign based on one or more of the following criteria: it is a conservative change, it occurs at a poorly conserved position in the protein, it is predicted to be benign by multiple in silico algorithms, and/or has population frequency not consistent with disease.

Natera, Inc.
Classification: Likely benign for Bloom syndrome. Last evaluated: 2017-08-09. Review status: no assertion criteria provided. Collection method: clinical testing. Allele origin: germline. Not counted in ClinVar's aggregate classification.

NM_000057.4(BLM):c.4077-10C>T

Gene: BLM (BLM RecQ like helicase; plus strand). Cytogenetic location: 15q26.1.
Variant type: single nucleotide variant.
Coding change: c.4077-10C>T on transcript NM_000057.4 (MANE Select); 10 bases into the intron before coding-DNA position 4077, C replaced by T.
Molecular consequence: intron variant.
Genome position (GRCh38, 1-based): chr15:90,815,092, C>T. VCF-style: chr15-90815092-C-T. GRCh37 (hg19) VCF-style: chr15-91358322-C-T.
Other names: c.3684-10C>T (NM_001287247.2); c.4077-10C>T (NM_001287246.2, LRG_20t1); c.2952-10C>T (NM_001287248.2).
Identifiers: ClinVar variation 136521 (VCV000136521.35), dbSNP rs145310008, ClinGen allele CA289713.